The following is an entry in ClinVar:

ClinVar aggregate classification (germline): Uncertain significance (1 of 4 stars; one submission).

Conditions:
Tumor predisposition syndrome 3 (TPDS3). Also called: Melanoma, cutaneous malignant, susceptibility to, 10; Glioma susceptibility 9; LONG TELOMERE SYNDROME, POT1-RELATED; POT1 Tumor Predisposition. Identifiers: Orphanet 618, MedGen C4014476, MONDO:0014368, OMIM 615848.

Submission:

Labcorp Genetics (formerly Invitae), Labcorp
Classification: Uncertain significance for Tumor predisposition syndrome 3. Last evaluated: 2019-10-14. Review status: criteria provided, single submitter. Criteria: Invitae Variant Classification Sherloc (09022015). Collection method: clinical testing. Allele origin: germline.
Comment: This variant, c.672_674dup, results in the insertion of 1 amino acid(s) to the POT1 protein (p.Asn225dup), but otherwise preserves the integrity of the reading frame. In summary, the available evidence is currently insufficient to determine the role of this variant in disease. Therefore, it has been classified as a Variant of Uncertain Significance. Experimental studies and prediction algorithms are not available or were not evaluated, and the functional significance of this variant is currently unknown. This variant has not been reported in the literature in individuals with POT1-related conditions. This variant is not present in population databases (ExAC no frequency).

NM_015450.3(POT1):c.672_674dup (p.Asn225dup)

Gene: POT1 (protection of telomeres 1; minus strand). Cytogenetic location: 7q31.33.
Variant type: Duplication.
Coding change: c.672_674dup on transcript NM_015450.3 (MANE Select); coding-DNA positions 672 to 674, 3 bases duplicated (TAA; older notation c.672_674dupTAA).
Protein change: p.Asn225dup; duplicates asparagine 225.
Molecular consequence: inframe insertion. On other transcripts: non-coding transcript variant (3).
Genome position (GRCh38, 1-based): chr7:124,858,985-124,858,987, TTA duplicated on the plus strand (TAA on the coding strand, the reverse complement: POT1 is on the minus strand); duplicating any 3 consecutive bases within chr7:124,858,985-124,858,988 gives the same sequence; the c. name uses the placement nearest the transcript's 3' end. VCF-style (leftmost placement, unchanged base first): chr7-124858984-G-GTTA. GRCh37 (hg19) VCF-style: chr7-124499038-G-GTTA.
Other names: c.279_281dup, p.Asn94dup (NM_001042594.2).
Identifiers: ClinVar variation 971752 (VCV000971752.10), dbSNP rs1795515373, ClinGen allele CA1139660249.